The following is an entry in ClinVar:

NM_001042492.3(NF1):c.6650T>A (p.Met2217Lys)

Gene: NF1 (neurofibromin 1; plus strand). Cytogenetic location: 17q11.2.
Variant type: single nucleotide variant.
Coding change: c.6650T>A on transcript NM_001042492.3 (MANE Select); coding-DNA position 6650, T replaced by A.
Protein change: p.Met2217Lys; replaces methionine 2217 with lysine.
Molecular consequence: missense variant.
Genome position (GRCh38, 1-based): chr17:31,337,826, T>A. VCF-style: chr17-31337826-T-A. GRCh37 (hg19) VCF-style: chr17-29664844-T-A.
Other names: c.6587T>A, p.Met2196Lys (NM_000267.4); short protein forms M2196K, M2217K.
Identifiers: ClinVar variation 1475589 (VCV001475589.8), dbSNP rs2069716815, ClinGen allele CA399013691.

ClinVar aggregate classification (germline): Uncertain significance (1 of 4 stars; one submission).

Conditions:
Neurofibromatosis, type 1 (NF1). Also called: Neurofibromatosis, type I; VON RECKLINGHAUSEN DISEASE; NEUROFIBROMATOSIS, TYPE I, SOMATIC; Peripheral type neurofibromatosis. Identifiers: Orphanet 636, MedGen C0027831, MONDO:0018975, OMIM 162200. Disease mechanism: loss of function.

Submission:

Labcorp Genetics (formerly Invitae), Labcorp
Classification: Uncertain significance for Neurofibromatosis, type 1. Last evaluated: 2021-01-13. Review status: criteria provided, single submitter. Criteria: Invitae Variant Classification Sherloc (09022015). Collection method: clinical testing. Allele origin: germline.
Comment: Advanced modeling of protein sequence and biophysical properties (such as structural, functional, and spatial information, amino acid conservation, physicochemical variation, residue mobility, and thermodynamic stability) performed at Invitae indicates that this missense variant is expected to disrupt NF1 protein function. This variant has not been reported in the literature in individuals with NF1-related conditions. This variant is not present in population databases (ExAC no frequency). This sequence change replaces methionine with lysine at codon 2196 of the NF1 protein (p.Met2196Lys). The methionine residue is moderately conserved and there is a moderate physicochemical difference between methionine and lysine. In summary, the available evidence is currently insufficient to determine the role of this variant in disease. Therefore, it has been classified as a Variant of Uncertain Significance.